The following is an entry in ClinVar:

NM_000090.4(COL3A1):c.2153C>T (p.Ala718Val)

Gene: COL3A1 (collagen type III alpha 1 chain; plus strand). Cytogenetic location: 2q32.2.
Variant type: single nucleotide variant.
Coding change: c.2153C>T on transcript NM_000090.4 (MANE Select); coding-DNA position 2153, C replaced by T.
Protein change: p.Ala718Val; replaces alanine 718 with valine.
Molecular consequence: missense variant.
Genome position (GRCh38, 1-based): chr2:188,999,501, C>T. VCF-style: chr2-188999501-C-T. GRCh37 (hg19) VCF-style: chr2-189864227-C-T.
Other names: short protein forms A718V.
Identifiers: ClinVar variation 1989139 (VCV001989139.5), dbSNP rs769458760, ClinGen allele CA075051.

ClinVar aggregate classification (germline): Uncertain significance. Review status: criteria provided, multiple submitters, no conflicts (2 of 4 stars). 2 submissions from 2 submitters: Uncertain significance (2). Last evaluated 2023-08-23.

Conditions:
Ehlers-Danlos syndrome, type 4 (EDSVASC). Also called: Ehlers-Danlos syndrome vascular type; Ehlers Danlos syndrome, ecchymotic type; Ehlers Danlos syndrome, arterial type; Ehlers Danlos syndrome, Sack-Barabas type; Ehlers-Danlos Syndrome Type IV. Identifiers: Orphanet 286, MedGen C0268338, MONDO:0017314, OMIM 130050.

Allele frequency attached by ClinVar (database versions not stated): gnomAD exomes below 0.00001; ExAC 0.00002.
gnomAD v4.1: 5 of 1,614,140 alleles (0.00031%); highest among the groups gnomAD compares: East Asian, 0.0045%; no homozygotes.

Submissions (2):

All of Us Research Program, National Institutes of Health
Classification: Uncertain significance for Ehlers-Danlos syndrome, type 4. Last evaluated: 2023-08-23. Review status: criteria provided, single submitter. Criteria: ACMG Guidelines, 2015. Collection method: clinical testing. Allele origin: germline. Inheritance: Autosomal dominant inheritance. Observed: 1 variant allele, 1 heterozygote.
Comment: This missense variant replaces alanine with valine at codon 718 of the COL3A1 protein. Computational prediction suggests that this variant may not impact protein structure and function (internally defined REVEL score threshold <= 0.5, PMID: 27666373). To our knowledge, functional studies have not been reported for this variant. This variant has not been reported in individuals affected with COL3A1-related disorders in the literature. This variant has been identified in 2/251074 chromosomes in the general population by the Genome Aggregation Database (gnomAD). The available evidence is insufficient to determine the role of this variant in disease conclusively. Therefore, this variant is classified as a Variant of Uncertain Significance.

This study involves interpretation of variants in research participants for the purpose of population health screening. Participant phenotype was not available at the time of variant classification. Additional details can be found in publication PMID: 35346344, PMCID: PMC8962531

Labcorp Genetics (formerly Invitae), Labcorp
Classification: Uncertain significance for Ehlers-Danlos syndrome, type 4. Last evaluated: 2022-07-31. Review status: criteria provided, single submitter. Criteria: Invitae Variant Classification Sherloc (09022015). Collection method: clinical testing. Allele origin: germline.
Comment: In summary, the available evidence is currently insufficient to determine the role of this variant in disease. Therefore, it has been classified as a Variant of Uncertain Significance. Advanced modeling of protein sequence and biophysical properties (such as structural, functional, and spatial information, amino acid conservation, physicochemical variation, residue mobility, and thermodynamic stability) performed at Invitae indicates that this missense variant is not expected to disrupt COL3A1 protein function. This variant has not been reported in the literature in individuals affected with COL3A1-related conditions. This variant is present in population databases (rs769458760, gnomAD 0.01%). This sequence change replaces alanine, which is neutral and non-polar, with valine, which is neutral and non-polar, at codon 718 of the COL3A1 protein (p.Ala718Val).